The following is an entry in ClinVar:

ClinVar aggregate classification (germline): Uncertain significance (1 of 4 stars; one submission).

Conditions:
Hereditary cancer-predisposing syndrome. Also called: Hereditary neoplastic syndrome; Neoplastic Syndromes, Hereditary; Tumor predisposition; Hereditary Cancer Syndrome. Identifiers: Orphanet 140162, MedGen C0027672, MeSH D009386, MONDO:0015356.

Submission:

Ambry Genetics
Classification: Uncertain significance for Hereditary cancer-predisposing syndrome. Last evaluated: 2025-01-04. Review status: criteria provided, single submitter. Criteria: Ambry Variant Classification Scheme 2023. Collection method: clinical testing. Allele origin: germline.
Comment: The p.A368P variant (also known as c.1102G>C), located in coding exon 4 of the AXIN2 gene, results from a G to C substitution at nucleotide position 1102. The alanine at codon 368 is replaced by proline, an amino acid with highly similar properties. This amino acid position is conserved. In addition, the in silico prediction for this alteration is inconclusive. Based on the available evidence, the clinical significance of this variant remains unclear.

NM_004655.4(AXIN2):c.1102G>C (p.Ala368Pro)

Gene: AXIN2 (axin 2; minus strand). Cytogenetic location: 17q24.1.
Variant type: single nucleotide variant.
Coding change: c.1102G>C on transcript NM_004655.4 (MANE Select); coding-DNA position 1102, G replaced by C.
Protein change: p.Ala368Pro; replaces alanine 368 with proline.
Molecular consequence: missense variant.
Genome position (GRCh38, 1-based): chr17:65,538,301, C>G on the plus strand (G>C on the coding strand, the complement: AXIN2 is on the minus strand). VCF-style: chr17-65538301-C-G. GRCh37 (hg19) VCF-style: chr17-63534419-C-G.
Other names: c.1102G>C, p.Ala368Pro (NM_001363813.1); short protein forms A368P.
Identifiers: ClinVar variation 3814306 (VCV003814306.1).